The following is an entry in ClinVar:

NM_139319.3(SLC17A8):c.705G>A (p.Met235Ile)

Gene: SLC17A8 (solute carrier family 17 member 8; plus strand). Cytogenetic location: 12q23.1.
Variant type: single nucleotide variant.
Coding change: c.705G>A on transcript NM_139319.3 (MANE Select); coding-DNA position 705, G replaced by A.
Protein change: p.Met235Ile; replaces methionine 235 with isoleucine.
Molecular consequence: missense variant.
Genome position (GRCh38, 1-based): chr12:100,401,805, G>A. VCF-style: chr12-100401805-G-A. GRCh37 (hg19) VCF-style: chr12-100795583-G-A.
Other names: c.705G>A, p.Met235Ile (NM_001145288.2); short protein forms M235I.
Identifiers: ClinVar variation 178528 (VCV000178528.6), dbSNP rs144556614, ClinGen allele CA182498.

ClinVar aggregate classification (germline): Uncertain significance. Review status: criteria provided, multiple submitters, no conflicts (2 of 4 stars). 2 submissions from 2 submitters: Uncertain significance (2). Last evaluated 2024-01-25.

Allele frequency attached by ClinVar (database versions not stated): gnomAD exomes below 0.00001; ExAC 0.00001; gnomAD 0.00001; TOPMed 0.00002; ESP Exome Variant Server 0.00008.
gnomAD v4.1: 2 of 1,613,918 alleles (0.00012%); highest among the groups gnomAD compares: African/African-American, 0.0027%; no homozygotes.

Submissions (2):

GeneDx
Classification: Uncertain significance. Last evaluated: 2024-01-25. Review status: criteria provided, single submitter. Criteria: GeneDx Variant Classification Process June 2021. Collection method: clinical testing. Allele origin: germline. Affected: yes.
Comment: Not observed at significant frequency in large population cohorts (gnomAD); In silico analysis supports that this missense variant has a deleterious effect on protein structure/function; Has not been previously published as pathogenic or benign to our knowledge

Laboratory for Molecular Medicine, Mass General Brigham Personalized Medicine
Classification: Uncertain significance. Last evaluated: 2013-11-26. Review status: criteria provided, single submitter. Criteria: LMM Criteria. Collection method: clinical testing. Allele origin: germline. Observed: 1 variant allele.
Comment: Variant classified as Uncertain Significance - Favor Benign. The Met235Ile varia nt in SLC17A8 has not been previously reported in individuals with hearing loss, but has been identified in 0.02% (1/4406) of African American chromosomes by th e NHLBI Exome Sequencing Project (dbSNP rs144 556614). Computational analyses (biochemical amino acid pr operties, conservation, AlignGVGD, PolyPhen2, and SIFT) suggest that the Met235I le variant may not impact the protein, though this information is not predictive enough to rule out pathogenicity. In summary, the clinical significance of this variant cannot be determined with certainty; however based upon the arguments d escribed above, we would lean towards a more likely benign role.